The following is an entry in ClinVar:

ClinVar aggregate classification (germline): Uncertain significance (1 of 4 stars; one submission).

Submission:

Greenwood Genetic Center Diagnostic Laboratories, Greenwood Genetic Center
Classification: Uncertain significance. Last evaluated: 2021-05-14. Review status: criteria provided, single submitter. Criteria: ACMG Guidelines, 2015. Collection method: clinical testing. Allele origin: germline. Affected: yes.
Comment: PVS1, PM2, BS2

NM_015338.6(ASXL1):c.3238del (p.Leu1080fs)

Gene: ASXL1 (ASXL transcriptional regulator 1; plus strand). Cytogenetic location: 20q11.21.
Variant type: Deletion.
Coding change: c.3238del on transcript NM_015338.6 (MANE Select); coding-DNA position 3238, one base deleted (C; older notation c.3238delC).
Protein change: p.Leu1080fs; shifts the reading frame from leucine 1080.
Molecular consequence: frameshift variant.
Genome position (GRCh38, 1-based): chr20:32,435,950, C deleted; the last of 3 consecutive C bases (chr20:32,435,948-32,435,950); deleting any one gives the same sequence. VCF-style (leftmost placement, unchanged base first): chr20-32435947-TC-T. GRCh37 (hg19) VCF-style: chr20-31023750-TC-T.
Other names: c.3055del, p.Leu1019fs (NM_001363734.1); short protein forms L1019fs, L1080fs.
Identifiers: ClinVar variation 1334757 (VCV001334757.4), dbSNP rs2145379138, ClinGen allele CA2573054864.